The following is an entry in ClinVar:

NM_006230.4(POLD2):c.636G>A (p.Leu212=)

Gene: POLD2 (DNA polymerase delta 2, accessory subunit; minus strand). Cytogenetic location: 7p13.
Variant type: single nucleotide variant.
Coding change: c.636G>A on transcript NM_006230.4 (MANE Select); coding-DNA position 636, G replaced by A.
Protein change: p.Leu212=; no amino-acid change (leucine 212 retained).
Molecular consequence: synonymous variant.
Genome position (GRCh38, 1-based): chr7:44,116,961, C>T on the plus strand (G>A on the coding strand, the complement: POLD2 is on the minus strand). VCF-style: chr7-44116961-C-T. GRCh37 (hg19) VCF-style: chr7-44156560-C-T.
Other names: c.636G>A, p.Leu212= (NM_001127218.3, NM_001256879.2).
Identifiers: ClinVar variation 2657424 (VCV002657424.24), dbSNP rs377542380, ClinGen allele CA454862884.
Genomic context (GRCh38, chr7:44,116,961, plus strand): 5'-CTGCTCCCCTTCGTCCCCAAGCTGCCCCGTCACCACATCCACCAGCAGCTGGGTGCCCAG[C>T]AGGCTCTCGCCTCCACCGCCACCCAGGCCCAGGCCGGACACCAGTAGCACAAACCTGCGG-3'
Protein context (NP_006221.3, residues 202-222): LGLGGGGGES[Leu212=]LGTQLLVDVV

ClinVar aggregate classification (germline): Likely benign (1 of 4 stars; one submission).

gnomAD v4.1: 1 of 1,613,640 alleles (0.000062%); no homozygotes.

Submission:

CeGaT Center for Human Genetics Tuebingen
Classification: Likely benign. Last evaluated: 2023-04-01. Review status: criteria provided, single submitter. Criteria: CeGaT Center For Human Genetics Tuebingen Variant Classification Criteria Version 2. Collection method: clinical testing. Allele origin: germline. Affected: yes. Observed: 1 variant allele.
Comment: POLD2: PM2:Supporting, BP4, BP7